The following is an entry in ClinVar:

ClinVar aggregate classification (germline): Uncertain significance. Review status: criteria provided, multiple submitters, no conflicts (2 of 4 stars). 2 submissions from 2 submitters: Uncertain significance (2). Last evaluated 2025-11-17.

Submissions (2):

Labcorp Genetics (formerly Invitae), Labcorp
Classification: Uncertain significance. Last evaluated: 2025-11-17. Review status: criteria provided, single submitter. Criteria: Invitae Variant Classification Sherloc (09022015). Collection method: clinical testing. Allele origin: germline.
Comment: This variant, c.2895_2897del, results in the deletion of 1 amino acid(s) of the ABCC8 protein (p.Leu966del), but otherwise preserves the integrity of the reading frame. This variant is present in population databases (rs751964033, gnomAD 0.002%). This variant has not been reported in the literature in individuals affected with ABCC8-related conditions. ClinVar contains an entry for this variant (Variation ID: 1690732). Experimental studies and prediction algorithms are not available or were not evaluated, and the functional significance of this variant is currently unknown. In summary, the available evidence is currently insufficient to determine the role of this variant in disease. Therefore, it has been classified as a Variant of Uncertain Significance.

Laboratorio de Genetica e Diagnostico Molecular, Hospital Israelita Albert Einstein
Classification: Uncertain significance. Last evaluated: 2019-11-22. Review status: criteria provided, single submitter. Criteria: ACMG Guidelines, 2015. Collection method: clinical testing. Allele origin: germline. Affected: yes.
Comment: ACMG classification criteria: PM2, PM4

NM_000352.6(ABCC8):c.2895_2897del (p.Leu966del)

Gene: ABCC8 (ATP binding cassette subfamily C member 8; minus strand). Cytogenetic location: 11p15.1.
Variant type: Deletion.
Coding change: c.2895_2897del on transcript NM_000352.6 (MANE Select); coding-DNA positions 2895 to 2897, 3 bases deleted (TCT; older notation c.2895_2897delTCT).
Protein change: p.Leu966del; deletes leucine 966.
Molecular consequence: inframe deletion. On other transcripts: non-coding transcript variant (1).
Genome position (GRCh38, 1-based): chr11:17,407,377-17,407,379, AGA deleted on the plus strand (TCT on the coding strand, the reverse complement: ABCC8 is on the minus strand); deleting any 3 consecutive bases within chr11:17,407,377-17,407,381 gives the same sequence; the c. name uses the placement nearest the transcript's 3' end. VCF-style (leftmost placement, unchanged base first): chr11-17407376-CAGA-C. GRCh37 (hg19) VCF-style: chr11-17428923-CAGA-C.
Other names: c.2898_2900del, p.Leu967del (NM_001287174.3); c.2961_2963del, p.Leu988del (NM_001351295.2); c.2895_2897del, p.Leu966del (NM_001351296.2); c.2892_2894del, p.Leu965del (NM_001351297.2); short protein forms L965del, L966del, L967del, L988del.
Identifiers: ClinVar variation 1690732 (VCV001690732.5), dbSNP rs751964033, ClinGen allele CA5902987.